The following is an entry in ClinVar:

ClinVar aggregate classification (germline): Uncertain significance. Review status: criteria provided, multiple submitters, no conflicts (2 of 4 stars). 2 submissions from 2 submitters: Uncertain significance (2). Last evaluated 2024-03-04.

Allele frequency attached by ClinVar (database versions not stated): gnomAD exomes below 0.00001; TOPMed below 0.00001.
gnomAD v4.1: 7 of 1,612,600 alleles (0.00043%); highest among the groups gnomAD compares: Non-Finnish European, 0.00051%; no homozygotes.

Submissions (2):

Ambry Genetics
Classification: Uncertain significance. Last evaluated: 2024-03-04. Review status: criteria provided, single submitter. Criteria: Ambry Variant Classification Scheme 2023. Collection method: clinical testing. Allele origin: germline.

GeneDx
Classification: Uncertain significance. Last evaluated: 2022-09-02. Review status: criteria provided, single submitter. Criteria: GeneDx Variant Classification Process June 2021. Collection method: clinical testing. Allele origin: germline. Affected: yes.
Comment: Not observed at significant frequency in large population cohorts (gnomAD); In silico analysis supports that this missense variant does not alter protein structure/function; Has not been previously published as pathogenic or benign to our knowledge

NM_015375.3(DSTYK):c.178A>G (p.Asn60Asp)

Gene: DSTYK (dual serine/threonine and tyrosine protein kinase; minus strand). Cytogenetic location: 1q32.1.
Variant type: single nucleotide variant.
Coding change: c.178A>G on transcript NM_015375.3 (MANE Select); coding-DNA position 178, A replaced by G.
Protein change: p.Asn60Asp; replaces asparagine 60 with aspartic acid.
Molecular consequence: missense variant.
Genome position (GRCh38, 1-based): chr1:205,211,358, T>C on the plus strand (A>G on the coding strand, the complement: DSTYK is on the minus strand). VCF-style: chr1-205211358-T-C. GRCh37 (hg19) VCF-style: chr1-205180486-T-C.
Other names: c.178A>G, p.Asn60Asp (NM_199462.3); short protein forms N60D.
Identifiers: ClinVar variation 2442584 (VCV002442584.2), dbSNP rs1659373072, ClinGen allele CA344403602.